The following is an entry in ClinVar:

ClinVar aggregate classification (germline): Likely pathogenic (1 of 4 stars; one submission).

Conditions:
Klippel-Feil anomaly-myopathy-facial dysmorphism syndrome. Also called: Klippel-feil syndrome 4, autosomal recessive, with nemaline myopathy and facial dysmorphism; Klippel-Feil syndrome 4, autosomal recessive, with myopathy and facial dysmorphism. Identifiers: Orphanet 447974, MedGen C4225285, MONDO:0014689, OMIM 616549.

Submission:

Juno Genomics, Hangzhou Juno Genomics, Inc
Classification: Likely pathogenic for Klippel-Feil anomaly-myopathy-facial dysmorphism syndrome. Review status: criteria provided, single submitter. Criteria: ACMG Guidelines, 2015. Collection method: clinical testing. Allele origin: germline.
Comment: Null variant in a gene where loss of function (LOF) is a known mechanism of disease.;Absent from controls (or at extremely low frequency if recessive) in Genome Aggregation Database.

NM_032608.7(MYO18B):c.5107_5111dup (p.Gln1706fs)

Gene: MYO18B (myosin XVIIIB; plus strand). Cytogenetic location: 22q12.1.
Variant type: Duplication.
Coding change: c.5107_5111dup on transcript NM_032608.7 (MANE Select); coding-DNA positions 5107 to 5111, 5 bases duplicated (ATCCA; older notation c.5107_5111dupATCCA).
Protein change: p.Gln1706fs; shifts the reading frame from glutamine 1706.
Molecular consequence: frameshift variant.
Genome position (GRCh38, 1-based): chr22:25,903,790-25,903,794, ATCCA duplicated; duplicating any 5 consecutive bases within chr22:25,903,789-25,903,794 gives the same sequence; the c. name uses the placement nearest the transcript's 3' end. VCF-style (leftmost placement, unchanged base first): chr22-25903788-A-AAATCC. GRCh37 (hg19) VCF-style: chr22-26299755-A-AAATCC.
Other names: c.5110_5114dup, p.Gln1707fs (NM_001318245.2); short protein forms Q1706fs, Q1707fs.
Identifiers: ClinVar variation 5006475 (VCV005006475.2).